The following is an entry in ClinVar:

ClinVar aggregate classification (germline): Uncertain significance (1 of 4 stars; one submission).

Conditions:
Ataxia-telangiectasia syndrome (AT). Also called: Ataxia-telangiectasia, complementation group D; AT, COMPLEMENTATION GROUP C; ATAXIA-TELANGIECTASIA, COMPLEMENTATION GROUP A; ATAXIA-TELANGIECTASIA, FRESNO VARIANT; Ataxia-telangiectasia; LOUIS-BAR SYNDROME. Identifiers: Orphanet 100, MedGen C0004135, MONDO:0008840, OMIM 208900.

Submission:

Labcorp Genetics (formerly Invitae), Labcorp
Classification: Uncertain significance for Ataxia-telangiectasia syndrome. Last evaluated: 2018-12-15. Review status: criteria provided, single submitter. Criteria: Invitae Variant Classification Sherloc (09022015). Collection method: clinical testing. Allele origin: germline.
Comment: In summary, the available evidence is currently insufficient to determine the role of this variant in disease. Therefore, it has been classified as a Variant of Uncertain Significance. Algorithms developed to predict the effect of missense changes on protein structure and function (SIFT, PolyPhen-2, Align-GVGD) all suggest that this variant is likely to be disruptive, but these predictions have not been confirmed by published functional studies and their clinical significance is uncertain. This variant has not been reported in the literature in individuals with ATM-related conditions. This variant is not present in population databases (ExAC no frequency). This sequence change replaces tryptophan with arginine at codon 2042 of the ATM protein (p.Trp2042Arg). The tryptophan residue is highly conserved and there is a moderate physicochemical difference between tryptophan and arginine.

NM_000051.4(ATM):c.6124T>C (p.Trp2042Arg)

Genes: ATM (ATM serine/threonine kinase; plus strand), C11orf65 (chromosome 11 open reading frame 65; minus strand). Cytogenetic location: 11q22.3.
Variant type: single nucleotide variant.
Coding change: c.6124T>C on transcript NM_000051.4 (MANE Select); coding-DNA position 6124, T replaced by C.
Protein change: p.Trp2042Arg; replaces tryptophan 2042 with arginine.
Molecular consequence: missense variant. On other transcripts: intron variant (2).
Genome position (GRCh38, 1-based): chr11:108,316,039, T>C. VCF-style: chr11-108316039-T-C. GRCh37 (hg19) VCF-style: chr11-108186766-T-C.
Other names: c.6124T>C, p.Trp2042Arg (NM_001351834.2); c.641-6968A>G (NM_001330368.2); c.*39-6968A>G (NM_001351110.2); short protein forms W2042R.
Identifiers: ClinVar variation 649347 (VCV000649347.9), dbSNP rs1591778747, ClinGen allele CA382550437.
Genomic context (GRCh38, chr11:108,316,039, plus strand): 5'-CCCAAAGCTATTTTCACAATCTTTTCTTATAGACTACGAACATATGAACACGAAGCAATG[T>C]GGGGCAAAGCCCTAGTAACATATGACCTCGAAACAGCAATCCCCTCATCAACACGCCAGG-3'
Protein context (NP_000042.3, residues 2032-2052): RLRTYEHEAM[Trp2042Arg]GKALVTYDLE